The following is an entry in ClinVar:

NM_001374736.1(DST):c.20500C>T (p.Arg6834Trp)

Gene: DST (dystonin; minus strand). Cytogenetic location: 6p12.1.
Variant type: single nucleotide variant.
Coding change: c.20500C>T on transcript NM_001374736.1 (MANE Select); coding-DNA position 20500, C replaced by T.
Protein change: p.Arg6834Trp; replaces arginine 6834 with tryptophan.
Molecular consequence: missense variant.
Genome position (GRCh38, 1-based): chr6:56,492,984, G>A on the plus strand (C>T on the coding strand, the complement: DST is on the minus strand). VCF-style: chr6-56492984-G-A. GRCh37 (hg19) VCF-style: chr6-56357782-G-A.
Other names: c.14143C>T, p.Arg4715Trp (NM_001144769.5); c.13729C>T, p.Arg4577Trp (NM_001144770.2); c.20500C>T, p.Arg6834Trp (NM_001374722.1); c.19540C>T, p.Arg6514Trp (NM_001374729.1); c.13282C>T, p.Arg4428Trp (NM_001374730.1); c.20527C>T, p.Arg6843Trp (NM_001374734.1); c.13609C>T, p.Arg4537Trp (NM_001386100.1, NM_183380.4); c.12631C>T, p.Arg4211Trp (NM_015548.5); short protein forms R6843W, R4577W, R4715W, R4428W, R6834W, R4211W, R4537W, R6514W.
Identifiers: ClinVar variation 1471515 (VCV001471515.7), dbSNP rs376924958, ClinGen allele CA139187235.

ClinVar aggregate classification (germline): Uncertain significance. Review status: criteria provided, multiple submitters, no conflicts (2 of 4 stars). 2 submissions from 2 submitters: Uncertain significance (2). Last evaluated 2023-05-31.

Conditions:
Hereditary sensory and autonomic neuropathy type 6. Also called: HSAN VI; Neuropathy, hereditary sensory and autonomic, type VI. Identifiers: Orphanet 314381, MedGen C3539003, MONDO:0013839, OMIM 614653.
Epidermolysis bullosa simplex 3, localized or generalized intermediate, with BP230 deficiency (EBS3). Also called: Epidermolysis bullosa simplex, autosomal recessive 2; Epidermolysis bullosa simplex due to BP230 deficiency. Identifiers: Orphanet 412181, MedGen C3809470, MONDO:0014180, OMIM 615425.

Allele frequency attached by ClinVar (database versions not stated): ESP Exome Variant Server 0.00008.
gnomAD v4.1: 13 of 1,612,138 alleles (0.00081%); highest among the groups gnomAD compares: South Asian, 0.0022%; no homozygotes.

Submissions (2):

Labcorp Genetics (formerly Invitae), Labcorp
Classification: Uncertain significance for Epidermolysis bullosa simplex 3, localized or generalized intermediate, with BP230 deficiency; Hereditary sensory and autonomic neuropathy type 6. Last evaluated: 2023-05-31. Review status: criteria provided, single submitter. Criteria: Invitae Variant Classification Sherloc (09022015). Collection method: clinical testing. Allele origin: germline.
Comment: In summary, the available evidence is currently insufficient to determine the role of this variant in disease. Therefore, it has been classified as a Variant of Uncertain Significance. Experimental studies and prediction algorithms are not available or were not evaluated, and the functional significance of this variant is currently unknown. This variant has not been reported in the literature in individuals affected with DST-related conditions. This variant is present in population databases (rs376924958, gnomAD 0.0009%). This sequence change replaces arginine, which is basic and polar, with tryptophan, which is neutral and slightly polar, at codon 4211 of the DST protein (p.Arg4211Trp). The DST gene has multiple clinically relevant transcripts. This variant occurs in alternate transcript NM_015548.4, and corresponds to NM_001723.5:c.*122533C>T in the primary transcript.

GeneDx
Classification: Uncertain significance. Last evaluated: 2022-07-13. Review status: criteria provided, single submitter. Criteria: GeneDx Variant Classification Process June 2021. Collection method: clinical testing. Allele origin: germline. Affected: yes.
Comment: Not observed at significant frequency in large population cohorts (gnomAD); In silico analysis supports that this missense variant has a deleterious effect on protein structure/function; Has not been previously published as pathogenic or benign to our knowledge